The following is an entry in ClinVar:

NM_015272.5(RPGRIP1L):c.3778G>A (p.Val1260Ile)

Gene: RPGRIP1L (RPGRIP1 like; minus strand). Cytogenetic location: 16q12.2.
Variant type: single nucleotide variant.
Coding change: c.3778G>A on transcript NM_015272.5 (MANE Select); coding-DNA position 3778, G replaced by A.
Protein change: p.Val1260Ile; replaces valine 1260 with isoleucine.
Molecular consequence: missense variant.
Genome position (GRCh38, 1-based): chr16:53,605,538, C>T on the plus strand (G>A on the coding strand, the complement: RPGRIP1L is on the minus strand). VCF-style: chr16-53605538-C-T. GRCh37 (hg19) VCF-style: chr16-53639450-C-T.
Other names: c.3778G>A (NM_015272.4); c.3538G>A, p.Val1180Ile (NM_001127897.4); c.3640G>A, p.Val1214Ile (NM_001308334.3); c.3676G>A, p.Val1226Ile (NM_001330538.2); short protein forms V1180I, V1260I, V1226I, V1214I.
Identifiers: ClinVar variation 406248 (VCV000406248.10), dbSNP rs781401167, ClinGen allele CA8057182.

ClinVar aggregate classification (germline): Uncertain significance. Review status: criteria provided, multiple submitters, no conflicts (2 of 4 stars). 4 submissions from 4 submitters: Uncertain significance (2). 2 of the submissions do not count toward it. Last evaluated 2024-06-03.

Conditions:
RPGRIP1L-related disorder. Also called: RPGRIP1L-related condition; RPGRIP1L-related disorders. Identifiers: MedGen CN239416.
Meckel syndrome, type 5 (MKS5). Identifiers: Orphanet 564, MedGen C1969052, MONDO:0012695, OMIM 611561.
Joubert syndrome 7 (JBTS7). Identifiers: Orphanet 220497, MedGen C1969053, MONDO:0012694, OMIM 611560.
COACH syndrome 3. Identifiers: MedGen C5436841, MONDO:0030862, OMIM 619113.
Meckel-Gruber syndrome. Also called: GRUBER SYNDROME; DYSENCEPHALIA SPLANCHNOCYSTICA; Dysencephalia splachnocystica. Identifiers: Orphanet 564, MedGen C0265215, MONDO:0018921.
Joubert syndrome. Also called: JOUBERT-BOLTSHAUSER SYNDROME; Familial aplasia of the vermis. Identifiers: Orphanet 475, MedGen C5979921, MONDO:0018772.

Allele frequency attached by ClinVar (database versions not stated): TOPMed below 0.00001; ExAC 0.00001; gnomAD 0.00001; gnomAD exomes 0.00001 and 0.00003.
gnomAD v4.1: 38 of 1,613,982 alleles (0.0024%); highest among the groups gnomAD compares: Non-Finnish European, 0.0027%; no homozygotes.

Submissions (4):

Fulgent Genetics
Classification: Uncertain significance for Joubert syndrome 7; Meckel syndrome, type 5; COACH syndrome 3. Last evaluated: 2024-06-03. Review status: criteria provided, single submitter. Criteria: ACMG Guidelines, 2015. Collection method: clinical testing. Allele origin: germline.

Labcorp Genetics (formerly Invitae), Labcorp
Classification: Uncertain significance for Joubert syndrome; Meckel-Gruber syndrome. Last evaluated: 2021-08-26. Review status: criteria provided, single submitter. Criteria: Invitae Variant Classification Sherloc (09022015). Collection method: clinical testing. Allele origin: germline.
Comment: This sequence change replaces valine with isoleucine at codon 1260 of the RPGRIP1L protein (p.Val1260Ile). The valine residue is weakly conserved and there is a small physicochemical difference between valine and isoleucine. This variant is present in population databases (rs781401167, ExAC 0.001%). This variant has not been reported in the literature in individuals affected with RPGRIP1L-related conditions. Algorithms developed to predict the effect of missense changes on protein structure and function output the following: SIFT: "Tolerated"; PolyPhen-2: "Benign"; Align-GVGD: "Class C0". The isoleucine amino acid residue is found in multiple mammalian species, which suggests that this missense change does not adversely affect protein function. In summary, the available evidence is currently insufficient to determine the role of this variant in disease. Therefore, it has been classified as a Variant of Uncertain Significance.

PreventionGenetics, part of Exact Sciences
Classification: Uncertain significance for RPGRIP1L-related condition. Last evaluated: 2024-03-05. Review status: no assertion criteria provided. Collection method: clinical testing. Allele origin: germline. Not counted in ClinVar's aggregate classification.
Comment: The RPGRIP1L c.3778G>A variant is predicted to result in the amino acid substitution p.Val1260Ile. To our knowledge, this variant has not been reported in the literature. This variant is reported in 0.0054% of alleles in individuals of East Asian descent in gnomAD. At this time, the clinical significance of this variant is uncertain due to the absence of conclusive functional and genetic evidence.

Natera, Inc.
Classification: Uncertain significance for Joubert syndrome. Last evaluated: 2021-02-01. Review status: no assertion criteria provided. Collection method: clinical testing. Allele origin: germline. Not counted in ClinVar's aggregate classification.